The following is an entry in ClinVar:

ClinVar aggregate classification (germline): Uncertain significance (1 of 4 stars; one submission).

Conditions:
Cardiovascular phenotype. Identifiers: MedGen CN230736.

gnomAD v4.1: 4 of 1,613,816 alleles (0.00025%); highest among the groups gnomAD compares: Non-Finnish European, 0.00034%; no homozygotes.

Submission:

Ambry Genetics
Classification: Uncertain significance for Cardiovascular phenotype. Last evaluated: 2026-07-17. Review status: criteria provided, single submitter. Criteria: Ambry Variant Classification Scheme 2023. Collection method: clinical testing. Allele origin: germline.
Comment: The p.I255V variant (also known as c.763A>G), located in coding exon 1 of the KCND3 gene, results from an A to G substitution at nucleotide position 763. The isoleucine at codon 255 is replaced by valine, an amino acid with highly similar properties. This amino acid position is conserved. In addition, this alteration is predicted to be tolerated by in silico analysis. Based on the available evidence, the clinical significance of this variant remains unclear.

NM_001378969.1(KCND3):c.763A>G (p.Ile255Val)

Gene: KCND3 (potassium voltage-gated channel subfamily D member 3; minus strand). Cytogenetic location: 1p13.2.
Variant type: single nucleotide variant.
Coding change: c.763A>G on transcript NM_001378969.1 (MANE Select); coding-DNA position 763, A replaced by G.
Protein change: p.Ile255Val; replaces isoleucine 255 with valine.
Molecular consequence: missense variant.
Genome position (GRCh38, 1-based): chr1:111,981,964, T>C on the plus strand (A>G on the coding strand, the complement: KCND3 is on the minus strand). VCF-style: chr1-111981964-T-C. GRCh37 (hg19) VCF-style: chr1-112524586-T-C.
Other names: c.763A>G, p.Ile255Val (NM_001378970.1, NM_004980.5, NM_172198.3); short protein forms I255V.
Identifiers: ClinVar variation 5022951 (VCV005022951.1).